The following is an entry in ClinVar:

NM_004360.5(CDH1):c.1796C>T (p.Thr599Ile)

Gene: CDH1 (cadherin 1; plus strand). Cytogenetic location: 16q22.1.
Variant type: single nucleotide variant.
Coding change: c.1796C>T on transcript NM_004360.5 (MANE Select); coding-DNA position 1796, C replaced by T.
Protein change: p.Thr599Ile; replaces threonine 599 with isoleucine.
Molecular consequence: missense variant. On other transcripts: 5 prime UTR variant (1).
Genome position (GRCh38, 1-based): chr16:68,822,085, C>T. VCF-style: chr16-68822085-C-T. GRCh37 (hg19) VCF-style: chr16-68855988-C-T.
Other names: c.1796C>T (LRG_301t1); c.1613C>T, p.Thr538Ile (NM_001317184.2); c.248C>T, p.Thr83Ile (NM_001317185.2); c.-170C>T (NM_001317186.2); short protein forms T599I, T538I, T83I.
Identifiers: ClinVar variation 230599 (VCV000230599.21), dbSNP rs377302798, ClinGen allele CA10580133.
Genomic context (GRCh38, chr16:68,822,085, plus strand): 5'-GGACACTTCTGCTGATCCTGTCTGATGTGAATGACAACGCCCCCATACCAGAACCTCGAA[C>T]TATATTCTTCTGTGAGAGGAATCCAAAGCCTCAGGTCATAAACATCATTGATGCAGACCT-3'
Protein context (NP_004351.1, residues 589-609): NDNAPIPEPR[Thr599Ile]IFFCERNPKP

ClinVar aggregate classification (germline): Conflicting classifications of pathogenicity. Review status: criteria provided, conflicting classifications (1 of 4 stars). 3 submissions from 3 submitters: Uncertain significance (2); Benign (1). Last evaluated 2025-11-04.

Conditions:
Hereditary cancer-predisposing syndrome. Also called: Hereditary Cancer Syndrome; Neoplastic Syndromes, Hereditary; Tumor predisposition; Hereditary neoplastic syndrome. Identifiers: Orphanet 140162, MedGen C0027672, MeSH D009386, MONDO:0015356.
Hereditary diffuse gastric adenocarcinoma (HDGC). Also called: DIFFUSE GASTRIC AND LOBULAR BREAST CANCER SYNDROME. Identifiers: Orphanet 26106, MedGen C1708349, MONDO:0007648, OMIM 137215.

Allele frequency attached by ClinVar (database versions not stated): gnomAD 0.00003; ESP Exome Variant Server 0.00008.
gnomAD v4.1: 1 of 1,614,062 alleles (0.000062%); highest among the groups gnomAD compares: African/African-American, 0.0013%; no homozygotes.

Submissions (3):

Ambry Genetics
Classification: Benign for Hereditary cancer-predisposing syndrome. Last evaluated: 2025-11-04. Review status: criteria provided, single submitter. Criteria: Ambry Variant Classification Scheme 2023. Collection method: clinical testing. Allele origin: germline.

Labcorp Genetics (formerly Invitae), Labcorp
Classification: Uncertain significance for Hereditary diffuse gastric adenocarcinoma. Last evaluated: 2025-06-12. Review status: criteria provided, single submitter. Criteria: Invitae Variant Classification Sherloc (09022015). Collection method: clinical testing. Allele origin: germline.
Comment: This sequence change replaces threonine, which is neutral and polar, with isoleucine, which is neutral and non-polar, at codon 599 of the CDH1 protein (p.Thr599Ile). This variant is present in population databases (rs377302798, gnomAD 0.01%). This variant has not been reported in the literature in individuals affected with CDH1-related conditions. ClinVar contains an entry for this variant (Variation ID: 230599). An algorithm developed to predict the effect of missense changes on protein structure and function (PolyPhen-2) suggests that this variant is likely to be tolerated. In summary, the available evidence is currently insufficient to determine the role of this variant in disease. Therefore, it has been classified as a Variant of Uncertain Significance.

Color Diagnostics, LLC DBA Color Health
Classification: Uncertain significance for Hereditary cancer-predisposing syndrome. Last evaluated: 2023-12-05. Review status: criteria provided, single submitter. Criteria: ACMG Guidelines, 2015. Collection method: clinical testing. Allele origin: germline.
Comment: This missense variant replaces threonine with isoleucine at codon 599 of the CDH1 protein. To our knowledge, functional studies have not been reported for this variant. This variant has not been reported in individuals affected with CDH1-related disorders in the literature. This variant has been identified in 1/31408 chromosomes in the general population by the Genome Aggregation Database (gnomAD). The available evidence is insufficient to determine the role of this variant in disease conclusively. Therefore, this variant is classified as a Variant of Uncertain Significance.